The following is an entry in ClinVar:

NM_012120.3(CD2AP):c.400_401delinsGA (p.Ile134Asp)

Gene: CD2AP (CD2 associated protein; plus strand). Cytogenetic location: 6p12.3.
Variant type: Indel.
Coding change: c.400_401delinsGA on transcript NM_012120.3 (MANE Select); coding-DNA positions 400 to 401, AT replaced by GA.
Protein change: p.Ile134Asp; replaces isoleucine 134 with aspartic acid.
Molecular consequence: missense variant.
Genome position (GRCh38, 1-based): chr6:47,544,686-47,544,687, AT replaced by GA. VCF-style: chr6-47544686-AT-GA. GRCh37 (hg19) VCF-style: chr6-47512422-AT-GA.
Other names: short protein forms I134D.
Identifiers: ClinVar variation 1395538 (VCV001395538.8), dbSNP rs2114045375, ClinGen allele CA2573140935.

ClinVar aggregate classification (germline): Uncertain significance (1 of 4 stars; one submission).

Submission:

Labcorp Genetics (formerly Invitae), Labcorp
Classification: Uncertain significance. Last evaluated: 2022-01-03. Review status: criteria provided, single submitter. Criteria: Invitae Variant Classification Sherloc (09022015). Collection method: clinical testing. Allele origin: germline.
Comment: Algorithms developed to predict the effect of missense changes on protein structure and function are either unavailable or do not agree on the potential impact of this missense change (SIFT: "Not Available"; PolyPhen-2: "Benign"; Align-GVGD: "Not Available"). This sequence change replaces isoleucine, which is neutral and non-polar, with aspartic acid, which is acidic and polar, at codon 134 of the CD2AP protein (p.Ile134Asp). Information on the frequency of this variant in the gnomAD database is not available, as this variant may be reported differently in the database. This variant has not been reported in the literature in individuals affected with CD2AP-related conditions. In summary, the available evidence is currently insufficient to determine the role of this variant in disease. Therefore, it has been classified as a Variant of Uncertain Significance.